The following is an entry in ClinVar:

ClinVar aggregate classification (germline): Pathogenic/Likely pathogenic. Review status: criteria provided, multiple submitters, no conflicts (2 of 4 stars). 2 submissions from 2 submitters: Pathogenic (1); Likely pathogenic (1). Last evaluated 2024-04-18.

Conditions:
Deficiency of steroid 11-beta-monooxygenase (CYP11B1). Also called: ADRENAL HYPERPLASIA, CONGENITAL, DUE TO STEROID 11-BETA-HYDROXYLASE DEFICIENCY; P450C11B1 DEFICIENCY; ADRENAL HYPERPLASIA IV; 11-BETA-HYDROXYLASE DEFICIENCY; Congenital adrenal hyperplasia due to 11-beta-hydroxylase deficiency; STEROID 11-BETA-HYDROXYLASE DEFICIENCY. Identifiers: Orphanet 90795, MedGen C0268292, MONDO:0008729, OMIM 202010. Disease mechanism: loss of function.
Glucocorticoid-remediable aldosteronism. Also called: Hyperaldosteronism, familial, type I; ACTH-DEPENDENT HYPERALDOSTERONISM SYNDROME; ALDOSTERONISM, SENSITIVE TO DEXAMETHASONE; FH I; GLUCOCORTICOID-SUPPRESSIBLE HYPERALDOSTERONISM. Identifiers: Orphanet 403, MedGen C3838731, MONDO:0007080, OMIM 103900.

Allele frequency attached by ClinVar (database versions not stated): gnomAD 0.00001.
gnomAD v4.1: 2 of 1,614,000 alleles (0.00012%); highest among the groups gnomAD compares: African/African-American, 0.0027%; no homozygotes.

Submissions (2):

Fulgent Genetics
Classification: Likely pathogenic for Glucocorticoid-remediable aldosteronism; Deficiency of steroid 11-beta-monooxygenase. Last evaluated: 2024-04-18. Review status: criteria provided, single submitter. Criteria: ACMG Guidelines, 2015. Collection method: clinical testing. Allele origin: germline.

Labcorp Genetics (formerly Invitae), Labcorp
Classification: Pathogenic. Last evaluated: 2023-05-07. Review status: criteria provided, single submitter. Criteria: Invitae Variant Classification Sherloc (09022015). Collection method: clinical testing. Allele origin: germline.
Comment: This sequence change creates a premature translational stop signal (p.Gln236*) in the CYP11B1 gene. It is expected to result in an absent or disrupted protein product. Loss-of-function variants in CYP11B1 are known to be pathogenic (PMID: 8506298, 26476331). This variant is not present in population databases (gnomAD no frequency). This variant has not been reported in the literature in individuals affected with CYP11B1-related conditions. ClinVar contains an entry for this variant (Variation ID: 2112958). Algorithms developed to predict the effect of sequence changes on RNA splicing suggest that this variant may create or strengthen a splice site. For these reasons, this variant has been classified as Pathogenic.

Literature cited by the submitters: PubMed 8506298 (cited by Labcorp Genetics (formerly Invitae), Labcorp); PubMed 26476331 (cited by Labcorp Genetics (formerly Invitae), Labcorp).

NM_000497.4(CYP11B1):c.706C>T (p.Gln236Ter)

Genes: CYP11B1 (cytochrome P450 family 11 subfamily B member 1; minus strand), LOC106799833 (CYP11B1 recombination region; plus strand). Cytogenetic location: 8q24.3.
Variant type: single nucleotide variant.
Coding change: c.706C>T on transcript NM_000497.4 (MANE Select); coding-DNA position 706, C replaced by T.
Protein change: p.Gln236Ter; replaces glutamine 236 with a stop codon.
Molecular consequence: nonsense.
Genome position (GRCh38, 1-based): chr8:142,876,775, G>A on the plus strand (C>T on the coding strand, the complement: CYP11B1 is on the minus strand). VCF-style: chr8-142876775-G-A. GRCh37 (hg19) VCF-style: chr8-143958191-G-A.
Other names: c.706C>T, p.Gln236Ter (NM_001026213.1); short protein forms Q236*.
Identifiers: ClinVar variation 2112958 (VCV002112958.5), dbSNP rs1816968040, ClinGen allele CA372395583.